The following is an entry in ClinVar:

ClinVar aggregate classification (germline): Likely benign. Review status: criteria provided, multiple submitters, no conflicts (2 of 4 stars). 5 submissions from 5 submitters: Likely benign (4). 1 of the submissions does not count toward it. Last evaluated 2026-01-11.

Conditions:
BBS7-related disorder. Also called: BBS7-related condition.
Bardet-Biedl syndrome (BBS). Identifiers: Orphanet 110, MedGen C0752166, MONDO:0015229.

Allele frequency attached by ClinVar (database versions not stated): ExAC 0.00003; gnomAD exomes 0.00004; TOPMed 0.00004; gnomAD 0.00007 and 0.00008; ESP Exome Variant Server 0.00008.
gnomAD v4.1: 109 of 1,613,520 alleles (0.0068%); highest among the groups gnomAD compares: East Asian, 0.011%; no homozygotes.

Submissions (5):

Labcorp Genetics (formerly Invitae), Labcorp
Classification: Likely benign for Bardet-Biedl syndrome. Last evaluated: 2026-01-11. Review status: criteria provided, single submitter. Criteria: Invitae Variant Classification Sherloc (09022015). Collection method: clinical testing. Allele origin: germline.

Women's Health and Genetics/Laboratory Corporation of America, LabCorp
Classification: Likely benign. Last evaluated: 2025-05-05. Review status: criteria provided, single submitter. Criteria: LabCorp Variant Classification Summary - May 2015. Collection method: clinical testing. Allele origin: germline.

CeGaT Center for Human Genetics Tuebingen
Classification: Likely benign. Last evaluated: 2024-04-01. Review status: criteria provided, single submitter. Criteria: CeGaT Center For Human Genetics Tuebingen Variant Classification Criteria Version 2. Collection method: clinical testing. Allele origin: germline. Affected: yes. Observed: 1 variant allele.
Comment: BBS7: BP4, BP7

Blueprint Genetics
Classification: Likely benign. Last evaluated: 2022-08-11. Review status: criteria provided, single submitter. Criteria: ACMG Guidelines, 2015. Collection method: clinical testing. Allele origin: germline.

PreventionGenetics, part of Exact Sciences
Classification: Likely benign for BBS7-related condition. Last evaluated: 2022-02-28. Review status: no assertion criteria provided. Collection method: clinical testing. Allele origin: germline. Not counted in ClinVar's aggregate classification.
Comment: This variant is classified as likely benign based on ACMG/AMP sequence variant interpretation guidelines (Richards et al. 2015 PMID: 25741868, with internal and published modifications).

NM_176824.3(BBS7):c.864C>T (p.Ser288=)

Gene: BBS7 (Bardet-Biedl syndrome 7; minus strand). Cytogenetic location: 4q27.
Variant type: single nucleotide variant.
Coding change: c.864C>T on transcript NM_176824.3 (MANE Select); coding-DNA position 864, C replaced by T.
Protein change: p.Ser288=; no amino-acid change (serine 288 retained).
Molecular consequence: synonymous variant.
Genome position (GRCh38, 1-based): chr4:121,848,914, G>A on the plus strand (C>T on the coding strand, the complement: BBS7 is on the minus strand). VCF-style: chr4-121848914-G-A. GRCh37 (hg19) VCF-style: chr4-122770069-G-A.
Other names: c.864C>T, p.Ser288= (NM_018190.4); c.864C>T (NM_176824.2).
Identifiers: ClinVar variation 1136613 (VCV001136613.29), dbSNP rs142376157, ClinGen allele CA3064380.